The following is an entry in ClinVar:

ClinVar aggregate classification (germline): Uncertain significance. Review status: criteria provided, multiple submitters, no conflicts (2 of 4 stars). 5 submissions from 5 submitters: Uncertain significance (4). 1 of the submissions does not count toward it. Last evaluated 2024-04-09.

Conditions:
POLG-related disorder. Also called: POLG-related condition; POLG-Related Disorders; POLG-Related Spectrum Disorders. Identifiers: MedGen C4763519.
Progressive sclerosing poliodystrophy (MTDPS4A). Also called: ALPERS DIFFUSE DEGENERATION OF CEREBRAL GRAY MATTER WITH HEPATIC CIRRHOSIS; Alpers-Huttenlocher Syndrome; ALPERS PROGRESSIVE INFANTILE POLIODYSTROPHY; NEURONAL DEGENERATION OF CHILDHOOD WITH LIVER DISEASE, PROGRESSIVE; Mitochondrial DNA Depletion Syndrome 4A; Alpers-Huttenlocher Syndrome (AHS). Identifiers: Orphanet 726, MedGen C0205710, MONDO:0008758, OMIM 203700.

Submissions (5):

Labcorp Genetics (formerly Invitae), Labcorp
Classification: Uncertain significance for Progressive sclerosing poliodystrophy. Last evaluated: 2024-04-09. Review status: criteria provided, single submitter. Criteria: Invitae Variant Classification Sherloc (09022015). Collection method: clinical testing. Allele origin: germline.
Comment: This sequence change replaces glutamic acid, which is acidic and polar, with leucine, which is neutral and non-polar, at codon 538 of the POLG protein (p.Glu538Leu). This variant is present in population databases (rs796052921, gnomAD 0.002%). This variant has not been reported in the literature in individuals affected with POLG-related conditions. ClinVar contains an entry for this variant (Variation ID: 206634). An algorithm developed to predict the effect of missense changes on protein structure and function (PolyPhen-2) suggests that this variant¬†is likely to be tolerated. In summary, the available evidence is currently insufficient to determine the role of this variant in disease. Therefore, it has been classified as a Variant of Uncertain Significance.

Athena Diagnostics
Classification: Uncertain significance. Last evaluated: 2023-12-05. Review status: criteria provided, single submitter. Criteria: Athena Diagnostics Criteria. Collection method: clinical testing. Allele origin: unknown.
Comment: Available data are insufficient to determine the clinical significance of the variant at this time. The frequency of this variant in the general population is uninformative in assessment of its pathogenicity. Computational tools disagree on the variant's effect on normal protein function.

Mayo Clinic Laboratories, Mayo Clinic
Classification: Uncertain significance. Last evaluated: 2021-12-14. Review status: criteria provided, single submitter. Criteria: ACMG Guidelines, 2015. Collection method: clinical testing. Allele origin: germline.

GeneDx
Classification: Uncertain significance. Last evaluated: 2014-10-03. Review status: criteria provided, single submitter. Criteria: GeneDx Variant Classification (06012015). Collection method: clinical testing. Allele origin: germline. Affected: yes.
Comment: c.1612_1613delinsTT: p.Glu538Leu (E538L) in exon 9 of the POLG gene (NM_002693.2). The normal sequence with the bases that are deleted and inserted in braces is: GGAG{delGA}{insTT}GTTT. The c.1612_1613delGAinsTT variant has not been published as a mutation, nor has it been reported as a benign polymorphism to our knowledge. The c.1612_1613delinsTT variant was not observed in approximately 6500 individuals of European and African American ancestry in the NHLBI Exome Sequencing Project, indicating it is not a common benign variant in these populations. The c.1612_1613delinsTT variant results in the replacement of the normal Glutamic Acid codon at position 538 with a Leucine codon, denoted p.E538L. The E538L variant is a non-conservative amino acid substitution, which is likely to impact secondary protein structure as these residues differ in polarity, charge, size and/or other properties. This substitution occurs at a position that is moderately conserved across species. In silico analysis predicts this variant likely does not alter the protein structure/function. Therefore, based on the currently available information, it is unclear whether this variant is a pathogenic mutation or a rare benign variant. The variant is found in MITONUC-MITOP panel(s).

PreventionGenetics, part of Exact Sciences
Classification: Uncertain significance for POLG-related condition. Last evaluated: 2024-04-03. Review status: no assertion criteria provided. Collection method: clinical testing. Allele origin: germline. Not counted in ClinVar's aggregate classification.
Comment: The POLG c.1612_1613delinsTT variant is predicted to result in an in-frame deletion and insertion. To our knowledge, this variant has not been reported in the literature or in a large population database, indicating this variant is rare. At this time, the clinical significance of this variant is uncertain due to the absence of conclusive functional and genetic evidence.

NM_002693.3(POLG):c.1612_1613delinsTT (p.Glu538Leu)

Gene: POLG (DNA polymerase gamma, catalytic subunit; minus strand). Cytogenetic location: 15q26.1.
Variant type: Indel.
Coding change: c.1612_1613delinsTT on transcript NM_002693.3 (MANE Select); coding-DNA positions 1612 to 1613, GA replaced by TT.
Protein change: p.Glu538Leu; replaces glutamic acid 538 with leucine.
Molecular consequence: missense variant.
Genome position (GRCh38, 1-based): chr15:89,326,711-89,326,712, TC replaced by AA on the plus strand (GA replaced by TT on the coding strand, the reverse complement: POLG is on the minus strand). VCF-style: chr15-89326711-TC-AA. GRCh37 (hg19) VCF-style: chr15-89869942-TC-AA.
Other names: p.E538L:GAG>TTG; p.Glu538Leu; c.1612_1613delinsTT, p.Glu538Leu (NM_001126131.2); short protein forms E538L.
Identifiers: ClinVar variation 206634 (VCV000206634.13), dbSNP rs796052921, ClinGen allele CA316904.